The following is an entry in ClinVar:

NM_001166160.2(PPP1R9A):c.802A>T (p.Thr268Ser)

Gene: PPP1R9A (protein phosphatase 1 regulatory subunit 9A; plus strand). Cytogenetic location: 7q21.3.
Variant type: single nucleotide variant.
Coding change: c.802A>T on transcript NM_001166160.2 (MANE Select); coding-DNA position 802, A replaced by T.
Protein change: p.Thr268Ser; replaces threonine 268 with serine.
Molecular consequence: missense variant.
Genome position (GRCh38, 1-based): chr7:94,910,915, A>T. VCF-style: chr7-94910915-A-T. GRCh37 (hg19) VCF-style: chr7-94540227-A-T.
Other names: c.802A>T, p.Thr268Ser (NM_001166163.1, NM_017650.3, NM_001166161.1 and 1 more transcripts); short protein forms T268S.
Identifiers: ClinVar variation 2657686 (VCV002657686.24), dbSNP rs138552151, ClinGen allele CA4349283.

ClinVar aggregate classification (germline): Likely benign (1 of 4 stars; one submission).

Allele frequency attached by ClinVar (database versions not stated): ExAC 0.00027; TOPMed 0.00090; gnomAD 0.00092; ESP Exome Variant Server 0.00108; 1000 Genomes Project 0.00160; 1000 Genomes Project 30x 0.00187.
gnomAD v4.1: 267 of 1,614,148 alleles (0.017%); highest among the groups gnomAD compares: African/African-American, 0.32%; no homozygotes.

Submission:

CeGaT Center for Human Genetics Tuebingen
Classification: Likely benign. Last evaluated: 2022-05-01. Review status: criteria provided, single submitter. Criteria: CeGaT Center For Human Genetics Tuebingen Variant Classification Criteria Version 2. Collection method: clinical testing. Allele origin: germline. Affected: yes. Observed: 2 variant alleles.
Comment: PPP1R9A: BP4